The following is an entry in ClinVar:

NC_000015.9:g.(?_43677969)_(43678548_?)dup

Gene: TUBGCP4 (tubulin gamma complex component 4; plus strand). Cytogenetic location: 15q15.3.
Variant type: Duplication.
Identifiers: ClinVar variation 2424113 (VCV002424113.4).

ClinVar aggregate classification (germline): Uncertain significance (1 of 4 stars; one submission).

Submission:

Labcorp Genetics (formerly Invitae), Labcorp
Classification: Uncertain significance. Last evaluated: 2023-07-17. Review status: criteria provided, single submitter. Criteria: Invitae Variant Classification Sherloc (09022015). Collection method: clinical testing. Allele origin: germline.
Comment: This variant results in a copy number gain of the genomic region encompassing exon(s) 8-9 of the TUBGCP4 gene. While the exact position of this variant cannot be determined from the data, sub-genic copy number gains are generally in tandem (PMID: 25640679). This variant is predicted to be in-frame, and likely preserves the integrity of the reading frame. This variant has not been reported in the literature in individuals affected with TUBGCP4-related conditions. Experimental studies and prediction algorithms are not available or were not evaluated, and the functional significance of this variant is currently unknown. In summary, the available evidence is currently insufficient to determine the role of this variant in disease. Therefore, it has been classified as a Variant of Uncertain Significance.

Literature cited by the submitters: PubMed 25640679.